The following continues an entry in ClinVar:

NM_007294.4(BRCA1):c.5503C>T (p.Arg1835Ter)

Gene: BRCA1. ClinVar aggregate classification (germline): Pathogenic. Pathogenic (1).

Submissions 35 to 57 of 60:

Laboratory of Molecular Diagnosis of Cancer, West China Hospital, Sichuan University
Classification: Pathogenic for Breast neoplasm. Last evaluated: 2015-11-01. Review status: criteria provided, single submitter. Criteria: ACMG Guidelines, 2015. Collection method: research. Allele origin: somatic. Affected: yes. Observed: 1 variant allele. Not counted in ClinVar's aggregate classification.

Consortium of Investigators of Modifiers of BRCA1/2 (CIMBA), c/o University of Cambridge
Classification: Pathogenic for Breast-ovarian cancer, familial, susceptibility to, 1. Last evaluated: 2015-10-02. Review status: criteria provided, single submitter. Criteria: CIMBA Mutation Classification guidelines May 2016. Collection method: clinical testing. Allele origin: germline. Not counted in ClinVar's aggregate classification.

CHEO Genetics Diagnostic Laboratory, Children's Hospital of Eastern Ontario
Classification: Pathogenic for Breast and/or ovarian cancer. Last evaluated: 2015-09-21. Review status: criteria provided, single submitter. Criteria: ACMG Guidelines, 2015. Collection method: clinical testing. Allele origin: germline. Study: Canadian Open Genetics Repository. Not counted in ClinVar's aggregate classification.

Clinical Genetics DNA and cytogenetics Diagnostics Lab, Erasmus MC, Erasmus Medical Center
Classification: Pathogenic for Breast-ovarian cancer, familial, susceptibility to, 1. Last evaluated: 2015-09-21. Review status: criteria provided, single submitter. Criteria: ACGS Guidelines, 2013. Collection method: clinical testing. Allele origin: germline. Affected: yes. Study: VKGL Data-share Consensus. Not counted in ClinVar's aggregate classification.

Department of Medical Genetics, Oslo University Hospital
Classification: Pathogenic for Breast-ovarian cancer, familial, susceptibility to, 1. Last evaluated: 2015-07-01. Review status: criteria provided, single submitter. Criteria: ACMG Guidelines, 2015. Collection method: clinical testing. Allele origin: germline. Affected: yes. Observed: 6 variant alleles. Not counted in ClinVar's aggregate classification.

Genome Diagnostics Laboratory, University Medical Center Utrecht
Classification: Pathogenic for Breast-ovarian cancer, familial, susceptibility to, 1. Last evaluated: 2014-10-08. Review status: criteria provided, single submitter. Criteria: ACGS Guidelines, 2013. Collection method: clinical testing. Allele origin: germline. Affected: yes. Study: VKGL Data-share Consensus. Not counted in ClinVar's aggregate classification.

Genesis Genomics
Classification: Pathogenic for Breast-ovarian cancer, familial, susceptibility to, 1. Review status: criteria provided, single submitter. Criteria: ACMG Guidelines, 2015. Collection method: clinical testing. Allele origin: germline. Affected: yes. Observed: 1 variant allele. Not counted in ClinVar's aggregate classification.

Juno Genomics, Hangzhou Juno Genomics, Inc
Classification: Pathogenic for Breast-ovarian cancer, familial, susceptibility to, 1. Review status: criteria provided, single submitter. Criteria: ACMG Guidelines, 2015. Collection method: clinical testing. Allele origin: germline. Not counted in ClinVar's aggregate classification.
Comment: Null variant in a gene where loss of function (LOF) is a known mechanism of disease.;Absent from controls (or at extremely low frequency if recessive) in Genome Aggregation Database.;The prevalence of the variant in affected individuals is significantly increased compared to the prevalence in controls.

Neuberg Centre For Genomic Medicine, NCGM
Classification: Pathogenic for Breast-ovarian cancer, familial, susceptibility to, 1. Review status: criteria provided, single submitter. Criteria: ACMG Guidelines, 2015. Collection method: clinical testing. Allele origin: germline. Inheritance: Autosomal dominant inheritance. Affected: yes. Not counted in ClinVar's aggregate classification.
Comment: The stop gained c.5503C>T p.Arg1835Ter variant in BRCA1 has been reported has been reported previously in heterozygous state in patients with breast cancer and ovarian cancer Hasmad HN et al. 2016. The experimental studies have shown that this premature translational stop signal affects BRCA1 function Ye Q et al 2001. The p.Arg1835Ter variant has allele frequency 0.001% in gnomAD Exomes and is novel not in any individuals in 1000 Genomes. This variant has been reported to the ClinVar database as Pathogenic multiple submiters. The nucleotide change c.5503C>T in BRCA1 is predicted as conserved by GERP++ and PhyloP across 100 vertebrates. This variant is predicted to cause loss of normal protein function through protein truncation. Loss of function variants have been previously reported to be disease causing. For these reasons, this variant has been classified as Pathogenic.

Cancer Genomics Lab, PINUM Cancer Hospital
Classification: Pathogenic for Hereditary breast ovarian cancer syndrome. Last evaluated: 2023-02-20. Review status: no assertion criteria provided. Collection method: clinical testing. Allele origin: germline. Affected: yes. Not counted in ClinVar's aggregate classification.

Medical Genetics Laboratory, Umraniye Training and Research Hospital, University of Health Sciences
Classification: Pathogenic for Breast carcinoma. Last evaluated: 2021-08-08. Review status: no assertion criteria provided. Collection method: clinical testing. Allele origin: germline. Inheritance: Autosomal dominant inheritance. Affected: yes. Observed: 1 variant allele, 1 heterozygote. Not counted in ClinVar's aggregate classification.

Laboratory for Genotyping Development, RIKEN
Classification: Pathogenic for Gastric cancer. Last evaluated: 2021-07-01. Review status: no assertion criteria provided. Collection method: research. Allele origin: germline. Not counted in ClinVar's aggregate classification.

University Health Network, Princess Margaret Cancer Centre
Classification: Pathogenic for Familial cancer of breast; Ovarian cancer; Lung cancer. Last evaluated: 2021-03-19. Review status: no assertion criteria provided. Collection method: clinical testing. Allele origin: somatic. Affected: no. Not counted in ClinVar's aggregate classification.

BRCAlab, Lund University
Classification: Pathogenic for Breast-ovarian cancer, familial, susceptibility to, 1. Last evaluated: 2020-03-02. Review status: no assertion criteria provided. Collection method: clinical testing. Allele origin: germline. Affected: yes. Not counted in ClinVar's aggregate classification.

German Consortium for Hereditary Breast and Ovarian Cancer, University Hospital Cologne
Classification: Pathogenic for Ovarian neoplasm. Last evaluated: 2018-12-01. Review status: no assertion criteria provided. Collection method: research. Allele origin: germline. Affected: yes. Not counted in ClinVar's aggregate classification.

Division of Human Genetics, Children's Hospital of Philadelphia
Classification: Pathogenic for Breast-ovarian cancer, familial, 1. Last evaluated: 2015-03-20. Review status: no assertion criteria provided. Collection method: research. Allele origin: germline. Affected: no. Study: CSER-PediSeq. Not counted in ClinVar's aggregate classification.
Comment: The heterozygous variant in the BRCA1 gene (c.5503C>T; p.Arg1835*)is considered pathogenic. This change results in a premature stop codon interrupting an important functional domain BRCT2 (PMID: 11739404) and premature truncation results in impaired function. This variant has been previously published in 2 individuals of Punjabi ethnicity and part of a cohort of unrelated Pakistani individuals with breast and ovarian cancer (PMID: 16998791), though the paper has no additional information on the phenotype of the affected individuals. This variant has also been seen in multiple affected individuals by other clinical labs (SCV000109430, SCV000145551, SCV000186917, SCV000210227, SCV000077033).

Counsyl
Classification: Likely pathogenic for Breast-ovarian cancer, familial 1. Last evaluated: 2014-11-14. Review status: no assertion criteria provided. Collection method: literature only. Allele origin: unknown. Inheritance: Autosomal dominant inheritance. Not counted in ClinVar's aggregate classification.

Research Molecular Genetics Laboratory, Women's College Hospital, University of Toronto
Classification: Pathogenic for Hereditary breast ovarian cancer syndrome. Last evaluated: 2014-01-31. Review status: no assertion criteria provided. Collection method: research. Allele origin: germline. Affected: yes. Study: The Canadian Open Genetics Repository (COGR). Not counted in ClinVar's aggregate classification.

Foulkes Cancer Genetics LDI, Lady Davis Institute for Medical Research
Classification: Pathogenic for Breast and/or ovarian cancer. Last evaluated: 2012-07-14. Review status: no assertion criteria provided. Collection method: clinical testing. Allele origin: germline. Study: The Canadian Open Genetics Repository (COGR). Not counted in ClinVar's aggregate classification.

Sharing Clinical Reports Project (SCRP)
Classification: Pathogenic for Breast-ovarian cancer, familial 1. Last evaluated: 2012-05-01. Review status: no assertion criteria provided. Collection method: clinical testing. Allele origin: germline. Not counted in ClinVar's aggregate classification.

Breast Cancer Information Core (BIC) (BRCA1)
Classification: Pathogenic for Breast-ovarian cancer, familial 1. Last evaluated: 2002-05-29. Review status: no assertion criteria provided. Collection method: clinical testing. Allele origin: germline. Affected: yes. Observed: 80 variant alleles. Not counted in ClinVar's aggregate classification.

Brotman Baty Institute, University of Washington
No classification provided (evidence only). Condition: Breast-ovarian cancer, familial 1. Review status: no classification provided. Collection method: in vitro. Allele origin: not applicable. Functional consequence: functionally_abnormal. Not counted in ClinVar's aggregate classification.
ClinVar note: "not provided" was previously submitted as the classification for the variant. However, the classification appeared to be based only on an observation of functional data so it was converted to no classification on 2025-07-30.

Clinical Genetics Laboratory, Department of Pathology, Netherlands Cancer Institute
Classification: Pathogenic. Review status: no assertion criteria provided. Collection method: clinical testing. Allele origin: germline. Affected: yes. Study: VKGL Data-share Consensus. Not counted in ClinVar's aggregate classification.